The following is an entry in ClinVar:

ClinVar aggregate classification (germline): Benign/Likely benign. Review status: criteria provided, multiple submitters, no conflicts (2 of 4 stars). 4 submissions from 4 submitters: Benign (2); Likely benign (2). Last evaluated 2026-01-27.

Allele frequency attached by ClinVar (database versions not stated): gnomAD exomes 0.03231; ExAC 0.03309; gnomAD 0.03347 and 0.03370; 1000 Genomes Project 30x 0.03482; 1000 Genomes Project 0.03494; TOPMed 0.03662; ESP Exome Variant Server 0.03783.
gnomAD v4.1: 57,574 of 1,609,198 alleles (3.6%); highest among the groups gnomAD compares: Middle Eastern, 7.6%; 1,204 homozygotes.

Submissions (22):

Labcorp Genetics (formerly Invitae), Labcorp
Classification: Benign. Last evaluated: 2026-01-27. Review status: criteria provided, single submitter. Criteria: Invitae Variant Classification Sherloc (09022015). Collection method: clinical testing. Allele origin: germline.

Mayo Clinic Laboratories, Mayo Clinic
Classification: Benign. Last evaluated: 2024-07-15. Review status: criteria provided, single submitter. Criteria: ACMG Guidelines, 2015. Collection method: clinical testing. Allele origin: germline. Observed: 11 variant alleles.
Comment: BS1, BS2, BP4, BP7

GeneDx
Classification: Likely benign. Last evaluated: 2020-12-22. Review status: criteria provided, single submitter. Criteria: GeneDx Variant Classification Process June 2021. Collection method: clinical testing. Allele origin: germline. Affected: yes.

Breakthrough Genomics
Classification: Likely benign. Review status: criteria provided, single submitter. Criteria: ACMG Guidelines, 2015. Collection method: not provided. Allele origin: germline. Inheritance: Autosomal recessive inheritance. Affected: yes.

Dr. Peter K. Rogan Lab, Western University
No classification provided (evidence only). Condition: Acute myeloid leukemia. Review status: no classification provided. Collection method: in vitro. Allele origin: not applicable. Functional consequence: retained intron. Not counted in ClinVar's aggregate classification.

Dr. Peter K. Rogan Lab, Western University
No classification provided (evidence only). Condition: Acute myeloid leukemia. Review status: no classification provided. Collection method: in vitro. Allele origin: not applicable. Functional consequence: retained intron. Not counted in ClinVar's aggregate classification.

Dr. Peter K. Rogan Lab, Western University
No classification provided (evidence only). Condition: Sarcoma. Review status: no classification provided. Collection method: in vitro. Allele origin: not applicable. Functional consequence: retained intron. Not counted in ClinVar's aggregate classification.

Dr. Peter K. Rogan Lab, Western University
No classification provided (evidence only). Condition: Sarcoma. Review status: no classification provided. Collection method: in vitro. Allele origin: not applicable. Functional consequence: retained intron. Not counted in ClinVar's aggregate classification.

Dr. Peter K. Rogan Lab, Western University
No classification provided (evidence only). Condition: Sarcoma. Review status: no classification provided. Collection method: in vitro. Allele origin: not applicable. Functional consequence: retained intron. Not counted in ClinVar's aggregate classification.

Dr. Peter K. Rogan Lab, Western University
No classification provided (evidence only). Condition: Thymoma. Review status: no classification provided. Collection method: in vitro. Allele origin: not applicable. Functional consequence: retained intron. Not counted in ClinVar's aggregate classification.

Dr. Peter K. Rogan Lab, Western University
No classification provided (evidence only). Condition: Thymoma. Review status: no classification provided. Collection method: in vitro. Allele origin: not applicable. Functional consequence: retained intron. Not counted in ClinVar's aggregate classification.

Dr. Peter K. Rogan Lab, Western University
No classification provided (evidence only). Condition: Malignant tumor of esophagus. Review status: no classification provided. Collection method: in vitro. Allele origin: not applicable. Functional consequence: retained intron. Not counted in ClinVar's aggregate classification.

Dr. Peter K. Rogan Lab, Western University
No classification provided (evidence only). Condition: Malignant tumor of esophagus. Review status: no classification provided. Collection method: in vitro. Allele origin: not applicable. Functional consequence: retained intron. Not counted in ClinVar's aggregate classification.

Dr. Peter K. Rogan Lab, Western University
No classification provided (evidence only). Condition: Malignant tumor of esophagus. Review status: no classification provided. Collection method: in vitro. Allele origin: not applicable. Functional consequence: retained intron. Not counted in ClinVar's aggregate classification.

Dr. Peter K. Rogan Lab, Western University
No classification provided (evidence only). Condition: Malignant tumor of esophagus. Review status: no classification provided. Collection method: in vitro. Allele origin: not applicable. Functional consequence: retained intron. Not counted in ClinVar's aggregate classification.

Dr. Peter K. Rogan Lab, Western University
No classification provided (evidence only). Condition: Chronic lymphocytic leukemia/small lymphocytic lymphoma. Review status: no classification provided. Collection method: in vitro. Allele origin: not applicable. Functional consequence: retained intron. Not counted in ClinVar's aggregate classification.

Dr. Peter K. Rogan Lab, Western University
No classification provided (evidence only). Condition: Familial pancreatic carcinoma. Review status: no classification provided. Collection method: in vitro. Allele origin: not applicable. Functional consequence: retained intron. Not counted in ClinVar's aggregate classification.

Dr. Peter K. Rogan Lab, Western University
No classification provided (evidence only). Condition: Familial pancreatic carcinoma. Review status: no classification provided. Collection method: in vitro. Allele origin: not applicable. Functional consequence: retained intron. Not counted in ClinVar's aggregate classification.

Dr. Peter K. Rogan Lab, Western University
No classification provided (evidence only). Condition: Familial pancreatic carcinoma. Review status: no classification provided. Collection method: in vitro. Allele origin: not applicable. Functional consequence: retained intron. Not counted in ClinVar's aggregate classification.

Dr. Peter K. Rogan Lab, Western University
No classification provided (evidence only). Condition: Hepatocellular carcinoma. Review status: no classification provided. Collection method: in vitro. Allele origin: not applicable. Functional consequence: retained intron. Not counted in ClinVar's aggregate classification.

Dr. Peter K. Rogan Lab, Western University
No classification provided (evidence only). Condition: Ovarian cancer. Review status: no classification provided. Collection method: in vitro. Allele origin: not applicable. Functional consequence: retained intron. Not counted in ClinVar's aggregate classification.

Dr. Peter K. Rogan Lab, Western University
No classification provided (evidence only). Condition: Ovarian cancer. Review status: no classification provided. Collection method: in vitro. Allele origin: not applicable. Functional consequence: retained intron. Not counted in ClinVar's aggregate classification.

NM_015135.3(NUP205):c.344-9C>G

Gene: NUP205 (nucleoporin 205; plus strand). Cytogenetic location: 7q33.
Variant type: single nucleotide variant.
Coding change: c.344-9C>G on transcript NM_015135.3 (MANE Select); 9 bases into the intron before coding-DNA position 344, C replaced by G.
Molecular consequence: intron variant.
Genome position (GRCh38, 1-based): chr7:135,576,261, C>G. VCF-style: chr7-135576261-C-G. GRCh37 (hg19) VCF-style: chr7-135261009-C-G.
Other names: p.?; c.-742-9C>G (NM_001329434.2).
Identifiers: ClinVar variation 1316507 (VCV001316507.12), dbSNP rs12539427, ClinGen allele CA4497830.